The following is an entry in ClinVar:

NM_004646.4(NPHS1):c.2223C>T (p.Thr741=)

Gene: NPHS1 (NPHS1 adhesion molecule, nephrin; minus strand). Cytogenetic location: 19q13.12.
Variant type: single nucleotide variant.
Coding change: c.2223C>T on transcript NM_004646.4 (MANE Select); coding-DNA position 2223, C replaced by T.
Protein change: p.Thr741=; no amino-acid change (threonine 741 retained).
Molecular consequence: synonymous variant.
Genome position (GRCh38, 1-based): chr19:35,843,583, G>A on the plus strand (C>T on the coding strand, the complement: NPHS1 is on the minus strand). VCF-style: chr19-35843583-G-A. GRCh37 (hg19) VCF-style: chr19-36334485-G-A.
Identifiers: ClinVar variation 259488 (VCV000259488.23), dbSNP rs2073901, ClinGen allele CA9390192.

ClinVar aggregate classification (germline): Benign. Review status: criteria provided, multiple submitters, no conflicts (2 of 4 stars). 8 submissions from 8 submitters: Benign (7). 1 of the submissions does not count toward it. Last evaluated 2026-01-31.

Conditions:
Finnish congenital nephrotic syndrome (NPHS1). Also called: NEPHROTIC SYNDROME, TYPE 1. Identifiers: Orphanet 839, MedGen C0403399, MONDO:0009732, OMIM 256300.
Congenital nephrotic syndrome. Also called: Familial nephrotic syndrome. Identifiers: MedGen C3501848, MeSH C535761, MONDO:0002350, HP:0008677.
Focal segmental glomerulosclerosis (FSGS). Also called: Glomerulosclerosis, focal; Focal sclerosis with hyalinosis. Identifiers: MedGen C0017668, MONDO:0100313, HP:0000097. Disease mechanism: loss of function.

Allele frequency attached by ClinVar (database versions not stated): gnomAD exomes 0.00339 and 0.00673; 1000 Genomes Project 30x 0.01343; 1000 Genomes Project 0.01518; ESP Exome Variant Server 0.00269; gnomAD 0.00423 and 0.00521; TOPMed 0.00530; ExAC 0.00693.
gnomAD v4.1: 5,781 of 1,614,032 alleles (0.36%); highest among the groups gnomAD compares: East Asian, 7.1%; 156 homozygotes.

Submissions (8):

Labcorp Genetics (formerly Invitae), Labcorp
Classification: Benign. Last evaluated: 2026-01-31. Review status: criteria provided, single submitter. Criteria: Invitae Variant Classification Sherloc (09022015). Collection method: clinical testing. Allele origin: germline.

Genome Diagnostics Laboratory, The Hospital for Sick Children
Classification: Benign for Focal segmental glomerulosclerosis. Last evaluated: 2021-07-27. Review status: criteria provided, single submitter. Criteria: ACMG Guidelines, 2015. Collection method: clinical testing. Allele origin: germline.

GeneDx
Classification: Benign. Last evaluated: 2019-12-23. Review status: criteria provided, single submitter. Criteria: GeneDx Variant Classification Process June 2021. Collection method: clinical testing. Allele origin: germline. Affected: yes.

Athena Diagnostics
Classification: Benign. Last evaluated: 2017-10-17. Review status: criteria provided, single submitter. Criteria: Athena Diagnostics Criteria. Collection method: clinical testing. Allele origin: germline.

Illumina Laboratory Services, Illumina
Classification: Benign for Congenital nephrotic syndrome. Last evaluated: 2017-04-27. Review status: criteria provided, single submitter. Criteria: ICSL Variant Classification Criteria 13 December 2019. Collection method: clinical testing. Allele origin: germline.
Comment: This variant was observed as part of a predisposition screen in an ostensibly healthy population. A literature search was performed for the gene, cDNA change, and amino acid change (where applicable). Publications were found based on this search. The evidence from the literature, in combination with allele frequency data from public databases where available, was sufficient to rule this variant out of causing disease. Therefore, this variant is classified as benign.

Breakthrough Genomics
Classification: Benign. Review status: criteria provided, single submitter. Criteria: ACMG Guidelines, 2015. Collection method: not provided. Allele origin: germline. Inheritance: Autosomal recessive inheritance. Affected: yes.

PreventionGenetics, part of Exact Sciences
Classification: Benign. Review status: criteria provided, single submitter. Criteria: ACMG Guidelines, 2015. Collection method: clinical testing. Allele origin: germline.

Natera, Inc.
Classification: Benign for Finnish congenital nephrotic syndrome. Last evaluated: 2020-09-16. Review status: no assertion criteria provided. Collection method: clinical testing. Allele origin: germline. Not counted in ClinVar's aggregate classification.

Literature cited by the submitters: PubMed 17211152 (cited by Athena Diagnostics and Illumina Laboratory Services, Illumina).